The following is an entry in ClinVar:

ClinVar aggregate classification (germline): Conflicting classifications of pathogenicity. Review status: criteria provided, conflicting classifications (1 of 4 stars). 3 submissions from 3 submitters: Likely pathogenic (2); Uncertain significance (1). Last evaluated 2024-12-15.

Conditions:
Autosomal dominant limb-girdle muscular dystrophy type 1D (DNAJB6) (LGMDD1). Also called: MUSCULAR DYSTROPHY, LIMB-GIRDLE, TYPE 1D; MUSCULAR DYSTROPHY, AUTOSOMAL DOMINANT, WITH RIMMED VACUOLES; Autosomal dominant limb-girdle muscular dystrophy type 1D; Muscular dystrophy, limb-girdle, autosomal dominant 1. Identifiers: Orphanet 34516, MedGen C4721885, MONDO:0021018, OMIM 603511.

Submissions (3):

Labcorp Genetics (formerly Invitae), Labcorp
Classification: Likely pathogenic for Autosomal dominant limb-girdle muscular dystrophy type 1D (DNAJB6). Last evaluated: 2024-12-15. Review status: criteria provided, single submitter. Criteria: Invitae Variant Classification Sherloc (09022015). Collection method: clinical testing. Allele origin: germline.
Comment: This sequence change replaces phenylalanine, which is neutral and non-polar, with leucine, which is neutral and non-polar, at codon 89 of the DNAJB6 protein (p.Phe89Leu). This variant is not present in population databases (gnomAD no frequency). This missense change has been observed in individual(s) with limb-girdle muscular dystrophy (internal data). ClinVar contains an entry for this variant (Variation ID: 427160). Invitae Evidence Modeling of protein sequence and biophysical properties (such as structural, functional, and spatial information, amino acid conservation, physicochemical variation, residue mobility, and thermodynamic stability) has been performed for this missense variant. However, the output from this modeling did not meet the statistical confidence thresholds required to predict the impact of this variant on DNAJB6 protein function. This variant disrupts the p.Phe89 amino acid residue in DNAJB6. Other variant(s) that disrupt this residue have been determined to be pathogenic (PMID: 22366786, 24594375, 24920671, 26371419). This suggests that this residue is clinically significant, and that variants that disrupt this residue are likely to be disease-causing. In summary, the currently available evidence indicates that the variant is pathogenic, but additional data are needed to prove that conclusively. Therefore, this variant has been classified as Likely Pathogenic.

Revvity Omics, Revvity
Classification: Uncertain significance for Autosomal dominant limb-girdle muscular dystrophy type 1D (DNAJB6). Last evaluated: 2023-06-27. Review status: criteria provided, single submitter. Criteria: ACMG Guidelines, 2015. Collection method: clinical testing. Allele origin: germline.

GeneDx
Classification: Likely pathogenic. Last evaluated: 2015-05-11. Review status: criteria provided, single submitter. Criteria: GeneDx Variant Classification (06012015). Collection method: clinical testing. Allele origin: germline. Affected: yes.
Comment: The F89L variant has not been published as a pathogenic variant, nor has it been reported as a benign polymorphism to our knowledge. However, a different amino acid substitution at the same residue (F89I) has been reported in two large families with LGMD1D (Sarparanta et al., 2012, Couthouis et al., 2014). Functional studies showed that F89L increased the half-life of the DNAJB6 protein and reduced its anti-aggregation properties (Sarparanta et al., 2012). F89L was not observed in approximately 6,500 individuals of European and African American ancestry in the NHLBI Exome Sequencing Project, indicating it is not a common benign variant in these populations. This substitution occurs at a position that is conserved in mammals and is predicted to be within the G/F domain where all LGMD1D-associated variants have been reported (Sato et al., 2013; Harms et al., 2012). Therefore, this variant is a strong candidate for a pathogenic variant, however the possibility that it is a benign variant cannot be excluded.

Literature cited by the submitters: PubMed 22366786 (cited by Labcorp Genetics (formerly Invitae), Labcorp); PubMed 24594375 (cited by Labcorp Genetics (formerly Invitae), Labcorp); PubMed 24920671 (cited by Labcorp Genetics (formerly Invitae), Labcorp); PubMed 26371419 (cited by Labcorp Genetics (formerly Invitae), Labcorp).

NM_058246.4(DNAJB6):c.265T>C (p.Phe89Leu)

Gene: DNAJB6 (DnaJ heat shock protein family (Hsp40) member B6; plus strand). Cytogenetic location: 7q36.3.
Variant type: single nucleotide variant.
Coding change: c.265T>C on transcript NM_058246.4 (MANE Select); coding-DNA position 265, T replaced by C.
Protein change: p.Phe89Leu; replaces phenylalanine 89 with leucine.
Molecular consequence: missense variant.
Genome position (GRCh38, 1-based): chr7:157,367,402, T>C. VCF-style: chr7-157367402-T-C. GRCh37 (hg19) VCF-style: chr7-157160096-T-C.
Other names: c.265T>C, p.Phe89Leu (NM_001363676.1, NM_005494.3); short protein forms F89L.
Identifiers: ClinVar variation 427160 (VCV000427160.12), dbSNP rs387907150, ClinGen allele CA370166092.